The following is an entry in ClinVar:

ClinVar aggregate classification (germline): Likely benign. Review status: criteria provided, multiple submitters, no conflicts (2 of 4 stars). 12 submissions from 9 submitters: Likely benign (12). Last evaluated 2025-09-03.

Conditions:
Malignant hyperthermia, susceptibility to, 5 (MHS5). Also called: CACNA1S-Related Malignant Hyperthermia Susceptibility. Identifiers: Orphanet 423, MedGen C1866077, MONDO:0011163, OMIM 601887.
Hypokalemic periodic paralysis, type 1. Also called: HypoPP; Hypokalemic Periodic Paralysis Type 1 (AD). Identifiers: Orphanet 681, MedGen C3714580, MONDO:0042979, OMIM 170400.
Inborn genetic diseases. Identifiers: MedGen C0950123, MeSH D030342.
Thyrotoxic periodic paralysis, susceptibility to, 1 (TTPP1). Identifiers: Orphanet 79102, MedGen C2749982, MONDO:0008570, OMIM 188580.
Congenital myopathy 18. Also called: DIHYDROPYRIDINE RECEPTOR CONGENITAL MYOPATHY; DHPR CONGENITAL MYOPATHY; Myopathy, congenital, due to dihydropyridine receptor defect. Identifiers: MedGen C5830283, MONDO:0859514, OMIM 620246.

Allele frequency attached by ClinVar (database versions not stated): ExAC 0.00001; TOPMed 0.00005; gnomAD 0.00016.
gnomAD v4.1: 38 of 1,614,058 alleles (0.0024%); highest among the groups gnomAD compares: African/African-American, 0.0093%; no homozygotes.

Submissions (12):

Labcorp Genetics (formerly Invitae), Labcorp
Classification: Likely benign for Hypokalemic periodic paralysis, type 1; Malignant hyperthermia, susceptibility to, 5. Last evaluated: 2025-09-03. Review status: criteria provided, single submitter. Criteria: Invitae Variant Classification Sherloc (09022015). Collection method: clinical testing. Allele origin: germline.

Mayo Clinic Laboratories, Mayo Clinic
Classification: Likely benign. Last evaluated: 2025-02-03. Review status: criteria provided, single submitter. Criteria: ACMG Guidelines, 2015. Collection method: clinical testing. Allele origin: germline. Observed: 1 variant allele.
Comment: BP4, BP7

Ambry Genetics
Classification: Likely benign for Inborn genetic diseases. Last evaluated: 2024-08-29. Review status: criteria provided, single submitter. Criteria: Ambry Variant Classification Scheme 2023. Collection method: clinical testing. Allele origin: germline.

All of Us Research Program, National Institutes of Health
Classification: Likely benign for Malignant hyperthermia, susceptibility to, 5. Last evaluated: 2023-12-18. Review status: criteria provided, single submitter. Criteria: ACMG Guidelines, 2015. Collection method: clinical testing. Allele origin: germline. Inheritance: Autosomal dominant inheritance. Observed: 6 variant alleles, 6 heterozygotes.
Comment: This study involves interpretation of variants in research participants for the purpose of population health screening. Participant phenotype was not available at the time of variant classification. Additional details can be found in publication PMID: 35346344, PMCID: PMC8962531

Genome-Nilou Lab
Classification: Likely benign for Malignant hyperthermia, susceptibility to, 5. Last evaluated: 2023-04-11. Review status: criteria provided, single submitter. Criteria: ACMG Guidelines, 2015. Collection method: clinical testing. Allele origin: germline. Affected: no.

Genome-Nilou Lab
Classification: Likely benign for Thyrotoxic periodic paralysis, susceptibility to, 1. Last evaluated: 2023-04-11. Review status: criteria provided, single submitter. Criteria: ACMG Guidelines, 2015. Collection method: clinical testing. Allele origin: germline. Affected: no.

Genome-Nilou Lab
Classification: Likely benign for Congenital myopathy 18. Last evaluated: 2023-04-11. Review status: criteria provided, single submitter. Criteria: ACMG Guidelines, 2015. Collection method: clinical testing. Allele origin: germline. Affected: no.

Genome-Nilou Lab
Classification: Likely benign for Hypokalemic periodic paralysis, type 1. Last evaluated: 2023-04-11. Review status: criteria provided, single submitter. Criteria: ACMG Guidelines, 2015. Collection method: clinical testing. Allele origin: germline. Affected: no.

Color Diagnostics, LLC DBA Color Health
Classification: Likely benign for Malignant hyperthermia, susceptibility to, 5. Last evaluated: 2022-11-06. Review status: criteria provided, single submitter. Criteria: ACMG Guidelines, 2015. Collection method: clinical testing. Allele origin: germline.

Fulgent Genetics
Classification: Likely benign for Hypokalemic periodic paralysis, type 1; Thyrotoxic periodic paralysis, susceptibility to, 1; Malignant hyperthermia, susceptibility to, 5. Last evaluated: 2022-03-03. Review status: criteria provided, single submitter. Criteria: ACMG Guidelines, 2015. Collection method: clinical testing. Allele origin: unknown.

Blueprint Genetics
Classification: Likely benign. Last evaluated: 2018-12-03. Review status: criteria provided, single submitter. Criteria: ACMG Guidelines, 2015. Collection method: clinical testing. Allele origin: germline.

GeneDx
Classification: Likely benign. Last evaluated: 2016-09-30. Review status: criteria provided, single submitter. Criteria: GeneDx Variant Classification (06012015). Collection method: clinical testing. Allele origin: germline. Affected: yes.
Comment: This variant is considered likely benign or benign based on one or more of the following criteria: it is a conservative change, it occurs at a poorly conserved position in the protein, it is predicted to be benign by multiple in silico algorithms, and/or has population frequency not consistent with disease.

NM_000069.3(CACNA1S):c.4026G>A (p.Ser1342=)

Gene: CACNA1S (calcium voltage-gated channel subunit alpha1 S; minus strand). Cytogenetic location: 1q32.1.
Variant type: single nucleotide variant.
Coding change: c.4026G>A on transcript NM_000069.3 (MANE Select); coding-DNA position 4026, G replaced by A.
Protein change: p.Ser1342=; no amino-acid change (serine 1342 retained).
Molecular consequence: synonymous variant.
Genome position (GRCh38, 1-based): chr1:201,051,071, C>T on the plus strand (G>A on the coding strand, the complement: CACNA1S is on the minus strand). VCF-style: chr1-201051071-C-T. GRCh37 (hg19) VCF-style: chr1-201020199-C-T.
Other names: p.Ser1342=.
Identifiers: ClinVar variation 389444 (VCV000389444.19), dbSNP rs757432785, ClinGen allele CA083040.